The following is an entry in ClinVar:

NM_004924.6(ACTN4):c.1770C>T (p.Ile590=)

Gene: ACTN4 (actinin alpha 4; plus strand). Cytogenetic location: 19q13.2.
Variant type: single nucleotide variant.
Coding change: c.1770C>T on transcript NM_004924.6 (MANE Select); coding-DNA position 1770, C replaced by T.
Protein change: p.Ile590=; no amino-acid change (isoleucine 590 retained).
Molecular consequence: synonymous variant.
Genome position (GRCh38, 1-based): chr19:38,724,234, C>T. VCF-style: chr19-38724234-C-T. GRCh37 (hg19) VCF-style: chr19-39214874-C-T.
Other names: c.1770C>T, p.Ile590= (NM_001322033.2).
Identifiers: ClinVar variation 259570 (VCV000259570.29), dbSNP rs140707871, ClinGen allele CA9417777.

ClinVar aggregate classification (germline): Benign/Likely benign. Review status: criteria provided, multiple submitters, no conflicts (2 of 4 stars). 10 submissions from 10 submitters: Benign (7); Likely benign (2). 1 of the submissions does not count toward it. Last evaluated 2025-12-17.

Conditions:
Focal segmental glomerulosclerosis 1 (FSGS1). Identifiers: Orphanet 656, MedGen C4551527, MONDO:0011303, OMIM 603278.
Focal segmental glomerulosclerosis (FSGS). Also called: Glomerulosclerosis, focal; Focal sclerosis with hyalinosis. Identifiers: MedGen C0017668, MONDO:0100313, HP:0000097. Disease mechanism: loss of function.

Allele frequency attached by ClinVar (database versions not stated): gnomAD exomes 0.00023 and 0.00071; ExAC 0.00077; 1000 Genomes Project 0.00180; gnomAD 0.00221 and 0.00240; ESP Exome Variant Server 0.00231; 1000 Genomes Project 30x 0.00234; TOPMed 0.00270.
gnomAD v4.1: 670 of 1,613,998 alleles (0.042%); highest among the groups gnomAD compares: African/African-American, 0.81%; 4 homozygotes.

Submissions (10):

Labcorp Genetics (formerly Invitae), Labcorp
Classification: Benign. Last evaluated: 2025-12-17. Review status: criteria provided, single submitter. Criteria: Invitae Variant Classification Sherloc (09022015). Collection method: clinical testing. Allele origin: germline.

CeGaT Center for Human Genetics Tuebingen
Classification: Likely benign. Last evaluated: 2025-12-01. Review status: criteria provided, single submitter. Criteria: CeGaT Center For Human Genetics Tuebingen Variant Classification Criteria Version 2. Collection method: clinical testing. Allele origin: germline. Affected: yes. Observed: 1 variant allele.
Comment: ACTN4: BP4, BP7, BS1

Blueprint Genetics
Classification: Likely benign. Last evaluated: 2024-11-25. Review status: criteria provided, single submitter. Criteria: ACMG Guidelines, 2015. Collection method: clinical testing. Allele origin: germline.

Genome-Nilou Lab
Classification: Benign for Focal segmental glomerulosclerosis 1. Last evaluated: 2021-12-05. Review status: criteria provided, single submitter. Criteria: ACMG Guidelines, 2015. Collection method: clinical testing. Allele origin: germline. Affected: no.

Fulgent Genetics
Classification: Benign for Focal segmental glomerulosclerosis 1. Last evaluated: 2021-08-19. Review status: criteria provided, single submitter. Criteria: ACMG Guidelines, 2015. Collection method: clinical testing. Allele origin: unknown.

Genome Diagnostics Laboratory, The Hospital for Sick Children
Classification: Benign for Focal segmental glomerulosclerosis. Last evaluated: 2020-01-01. Review status: criteria provided, single submitter. Criteria: ACMG Guidelines, 2015. Collection method: clinical testing. Allele origin: germline.

Eurofins Ntd Llc (ga)
Classification: Benign. Last evaluated: 2017-06-05. Review status: criteria provided, single submitter. Criteria: EGL Classification Definitions 2015. Collection method: clinical testing. Allele origin: germline. Observed: 1 variant allele, 1 heterozygote.

Breakthrough Genomics
Classification: Benign. Review status: criteria provided, single submitter. Criteria: ACMG Guidelines, 2015. Collection method: not provided. Allele origin: germline. Inheritance: Autosomal dominant inheritance. Affected: yes.

PreventionGenetics, part of Exact Sciences
Classification: Benign. Review status: criteria provided, single submitter. Criteria: ACMG Guidelines, 2015. Collection method: clinical testing. Allele origin: germline.

Genetic Services Laboratory, University of Chicago
Classification: Benign. Last evaluated: 2022-12-19. Review status: no assertion criteria provided. Collection method: clinical testing. Allele origin: germline. Affected: no. Not counted in ClinVar's aggregate classification.